The following is an entry in ClinVar:

NM_000465.4(BARD1):c.376G>T (p.Asp126Tyr)

Gene: BARD1 (BRCA1 associated RING domain 1; minus strand). Cytogenetic location: 2q35.
Variant type: single nucleotide variant.
Coding change: c.376G>T on transcript NM_000465.4 (MANE Select); coding-DNA position 376, G replaced by T.
Protein change: p.Asp126Tyr; replaces aspartic acid 126 with tyrosine.
Molecular consequence: missense variant. On other transcripts: non-coding transcript variant (2), intron variant (3).
Genome position (GRCh38, 1-based): chr2:214,781,498, C>A on the plus strand (G>T on the coding strand, the complement: BARD1 is on the minus strand). VCF-style: chr2-214781498-C-A. GRCh37 (hg19) VCF-style: chr2-215646222-C-A.
Other names: c.376G>T (NM_000465.2); c.319G>T, p.Asp107Tyr (NM_001282543.2); c.158+27914G>T (NM_001282548.2); c.215+15563G>T (NM_001282545.2); c.364+10799G>T (NM_001282549.2); short protein forms D107Y, D126Y.
Identifiers: ClinVar variation 1503660 (VCV001503660.10), dbSNP rs1695034849, ClinGen allele CA350458332.

ClinVar aggregate classification (germline): Uncertain significance. Review status: criteria provided, multiple submitters, no conflicts (2 of 4 stars). 2 submissions from 2 submitters: Uncertain significance (2). Last evaluated 2025-07-25.

Conditions:
Hereditary cancer-predisposing syndrome. Also called: Hereditary neoplastic syndrome; Tumor predisposition; Neoplastic Syndromes, Hereditary; Hereditary Cancer Syndrome. Identifiers: Orphanet 140162, MedGen C0027672, MeSH D009386, MONDO:0015356.
Familial cancer of breast. Also called: hereditary breast carcinoma; Hereditary breast cancer; BREAST CANCER, FAMILIAL. Identifiers: Orphanet 227535, MedGen C0346153, MONDO:0016419, OMIM 114480. Disease mechanism: loss of function.

Allele frequency attached by ClinVar (database versions not stated): gnomAD exomes below 0.00001.
gnomAD v4.1: 1 of 1,610,288 alleles (0.000062%); highest among the groups gnomAD compares: Middle Eastern, 0.017%; no homozygotes.

Submissions (2):

Labcorp Genetics (formerly Invitae), Labcorp
Classification: Uncertain significance for Familial cancer of breast. Last evaluated: 2025-07-25. Review status: criteria provided, single submitter. Criteria: Invitae Variant Classification Sherloc (09022015). Collection method: clinical testing. Allele origin: germline.
Comment: This sequence change replaces aspartic acid, which is acidic and polar, with tyrosine, which is neutral and polar, at codon 126 of the BARD1 protein (p.Asp126Tyr). This variant is not present in population databases (gnomAD no frequency). This variant has not been reported in the literature in individuals affected with BARD1-related conditions. ClinVar contains an entry for this variant (Variation ID: 1503660). An algorithm developed to predict the effect of missense changes on protein structure and function (PolyPhen-2) suggests that this variant is likely to be disruptive. In summary, the available evidence is currently insufficient to determine the role of this variant in disease. Therefore, it has been classified as a Variant of Uncertain Significance.

Ambry Genetics
Classification: Uncertain significance for Hereditary cancer-predisposing syndrome. Last evaluated: 2023-04-06. Review status: criteria provided, single submitter. Criteria: Ambry Variant Classification Scheme 2023. Collection method: clinical testing. Allele origin: germline.
Comment: The p.D126Y variant (also known as c.376G>T), located in coding exon 4 of the BARD1 gene, results from a G to T substitution at nucleotide position 376. The aspartic acid at codon 126 is replaced by tyrosine, an amino acid with highly dissimilar properties. This amino acid position is conserved. In addition, this alteration is predicted to be tolerated by in silico analysis. Since supporting evidence is limited at this time, the clinical significance of this alteration remains unclear.